The following is an entry in ClinVar:

ClinVar aggregate classification (germline): Pathogenic (0 of 4 stars; one submission).

Conditions:
Hyperphosphatasia with impaired intellectual development syndrome 4. Also called: GLYCOSYLPHOSPHATIDYLINOSITOL BIOSYNTHESIS DEFECT 10; Hyperphosphatasia with intellectual disability syndrome 4. Identifiers: Orphanet 247262, MedGen C3810354, MONDO:0014318, OMIM 615716.

Submission:

Institute for Medical Genetics and Human Genetics, Charité - Universitätsmedizin Berlin
Classification: Pathogenic for Hyperphosphatasia with impaired intellectual development syndrome 4. Last evaluated: 2016-03-01. Review status: no assertion criteria provided. Collection method: research. Allele origin: germline. Affected: yes.
Comment: Disease causing variant in homozygous or compound heterozygous state

NM_033419.5(PGAP3):c.511T>C (p.Cys171Arg)

Gene: PGAP3 (post-GPI attachment to proteins phospholipase 3; minus strand). Cytogenetic location: 17q12.
Variant type: single nucleotide variant.
Coding change: c.511T>C on transcript NM_033419.5 (MANE Select); coding-DNA position 511, T replaced by C.
Protein change: p.Cys171Arg; replaces cysteine 171 with arginine.
Molecular consequence: missense variant. On other transcripts: intron variant (1).
Genome position (GRCh38, 1-based): chr17:39,674,039, A>G on the plus strand (T>C on the coding strand, the complement: PGAP3 is on the minus strand). VCF-style: chr17-39674039-A-G. GRCh37 (hg19) VCF-style: chr17-37830292-A-G.
Other names: c.358T>C, p.Cys120Arg (NM_001291726.2); c.448T>C, p.Cys150Arg (NM_001291728.2, NM_001291732.2); c.511T>C, p.Cys171Arg (NM_001291730.2); c.433-1173T>C (NM_001291733.2); short protein forms C171R, C120R, C150R.
Identifiers: ClinVar variation 224647 (VCV000224647.2), dbSNP rs869312816, ClinGen allele CA353586.